The following is an entry in ClinVar:

NM_000152.5(GAA):c.546+5G>T

Gene: GAA (alpha glucosidase; plus strand). Cytogenetic location: 17q25.3.
Variant type: single nucleotide variant.
Coding change: c.546+5G>T on transcript NM_000152.5 (MANE Select); 5 bases into the intron after coding-DNA position 546, G replaced by T.
Molecular consequence: intron variant.
Genome position (GRCh38, 1-based): chr17:80,105,137, G>T. VCF-style: chr17-80105137-G-T. GRCh37 (hg19) VCF-style: chr17-78078936-G-T.
Other names: c.546+5G>T (LRG_673t1, NM_001079803.3, NM_001079804.3 and 1 more transcripts).
Identifiers: ClinVar variation 557811 (VCV000557811.33), dbSNP rs756024023, ClinGen allele CA8814901.

ClinVar aggregate classification (germline): Uncertain significance. Review status: reviewed by expert panel (3 of 4 stars). 11 submissions from 11 submitters: Uncertain significance (1). 10 of the submissions do not count toward it. Last evaluated 2024-11-05.

Conditions:
Glycogen storage disease, type II (IOPD). Also called: Pompe Disease; CARDIOMEGALIA GLYCOGENICA DIFFUSA; Glycogen storage disease type 2; Acid maltase deficiency disease; Aglucosidase alfa; Deficiency of alpha-glucosidase. Identifiers: Orphanet 365, MedGen C0017921, MONDO:0009290, OMIM 232300.

Allele frequency attached by ClinVar (database versions not stated): TOPMed 0.00003.
gnomAD v4.1: 13 of 1,602,382 alleles (0.00081%); highest among the groups gnomAD compares: East Asian, 0.022%; no homozygotes.

Submissions 1 to 8 of 11:

ClinGen Lysosomal Storage Disorder Variant Curation Expert Panel
Classification: Uncertain significance for Glycogen storage disease, type II. Last evaluated: 2024-11-05. Review status: reviewed by expert panel. Criteria: clingen_lsd_acmg_specifications_v2-1. Collection method: curation. Allele origin: germline. Inheritance: Autosomal recessive inheritance.
Comment: The NM_000152.5:c.546+5G>T variant occurs in the donor splice region of intron 2 of GAA. RT-PCR of RNA from primary fibroblasts a patient who is compound heterozygous for c.[546+5G>T; 1726G>A] and c.1080C>G (p.Tyr360Ter) revealed a normal-sized fragment containing 2 sequences (one normal and one with a 3-bp insertion) and an aberrantly short fragment containing a deletion of exon 2 (PMID: 34995642, Fig 6). Another study, using minigene analysis, showed that the variant results in almost complete skipping of exon 2 (PMID: 31301153, Fig 3e, f). Consistent with this evidence, the computational predictor SpliceAI predicts loss of the donor splice site (score of 0.42) and gain of a splice donor 3bp downstream of the normal splice donor (score of 0.64). Any transcripts in which exon 2 is skipped would be missing the start codon and signal sequence. This variant has been found in multiple individuals identified by newborn screening programs in Taiwan and Japan (PMID: 20080426, 21232767, 31076647, 34995642). However, the variant always occurs in cis with pseudodeficiency variants (including c.1726G>A) which could be responsible for the reduced GAA activity observed in these individuals. Therefore, despite the functional and predictive evidence indicating that this variant impacts splicing, the clinical significance of the variant is unclear. There has been no report of a patient with this variant who is clearly symptomatic for Pompe disease and, therefore, it is unknown if this variant may contribute to late-onset symptoms (neither PP4 nor PM3 were applied). The highest population minor allele frequency in gnomAD v2.1.1 is 0.0004978 in the East Asian population which is lower than ClinGen LD VCEP threshold of <0.001 (PM2_supporting). Other variants in the same donor splice site region have various classifications. For example, c.546+5G>A classified by the ClinGen LD VCEP as a variant of uncertain significance (ClinVar SCV004227903.1). Multiple other variants have been reported as pathogenic/likely pathogenic by ClinVar submitters (but not yet classified by the ClinGen LD VCEP) including c.546+2T>C, and c.546+2_+5del, and others in the same region have been classified in ClinVar as benign/Likely benign (not yet classified by the ClinGen LD VCEP) including c.546+4G>C; or VUS (c.546+3G>A). There is ClinVar entry for this variant (Variation ID: 557811). In summary, this variant has been classified as a variant of uncertain significance for Pompe disease by the ClinGen Lysosomal Disorders Variant Curation Expert Panel. Additional data, such as a report of a patient with clear symptoms of Pompe disease, or functional studies in muscle tissue, would be helpful. GAA-Specific ACMG-AMP criteria applied, as specified by the ClinGen LD VCEP (Specifications Version 2.0): PVS1_Strong, PM2_supporting. (Classification approved by the ClinGen Lysosomal Diseases Variant Curation Expert Panel on November 5, 2024).

Genomenon, Inc
Classification: Likely pathogenic for Glycogen storage disease, type II. Last evaluated: 2026-07-01. Review status: criteria provided, single submitter. Criteria: Genomenon Sequence Variant Interpretation Standards - Updated. Collection method: curation. Allele origin: germline. Not counted in ClinVar's aggregate classification.
Comment: GAA c.546+5G>T is an intronic variant located in the donor splice region of intron 2. This variant has been reported in the compound heterozygous and/or homozygous state in an individual without a confirmed diagnosis of Pompe disease (PMID:32014045). At least one splicing study has demonstrated that this variant results in aberrant splicing (PMID:34995642;31301153). It is absent or not present at a significant frequency in gnomAD. In conclusion, we classify GAA c.546+5G>T as a likely pathogenic variant.

GeneDx
Classification: Uncertain significance. Last evaluated: 2026-03-31. Review status: criteria provided, single submitter. Criteria: GeneDx Variant Classification Process June 2021. Collection method: clinical testing. Allele origin: germline. Not counted in ClinVar's aggregate classification.
Comment: Published functional studies demonstrate this variant has an aberrant effect on splicing and results in the skipping of exon 2 which contains the initiation methionine codon (PMID: 34995642, 31301153); This variant is associated with the following publications: (PMID: 25525159, 31301153, 22253258, 19343043, 34995642, 33717985, 32014045, 33073007, 33560568, 21232767, 20080426, 39905333, 31076647)

Labcorp Genetics (formerly Invitae), Labcorp
Classification: Pathogenic for Glycogen storage disease, type II. Last evaluated: 2025-12-17. Review status: criteria provided, single submitter. Criteria: Invitae Variant Classification Sherloc (09022015). Collection method: clinical testing. Allele origin: germline. Not counted in ClinVar's aggregate classification.
Comment: This sequence change falls in intron 2 of the GAA gene. It does not directly change the encoded amino acid sequence of the GAA protein. RNA analysis indicates that this variant induces altered splicing and is likely to result in the loss of the initiator methionine. This variant is present in population databases (rs756024023, gnomAD 0.05%). This variant has been observed in individual(s) with Pompe disease (PMID: 21232767). ClinVar contains an entry for this variant (Variation ID: 557811). Variants that disrupt the consensus splice site are a relatively common cause of aberrant splicing (PMID: 17576681, 9536098). Studies have shown that this variant results in skipping of exon 2, and is expected to result in the loss of the initiator methionine (PMID: 31301153). This variant disrupts the p.Arg190 amino acid residue in GAA. Other variant(s) that disrupt this residue have been determined to be pathogenic (PMID: 21484825, 23000108, 24444888, 29149851, 31076647). This suggests that this residue is clinically significant, and that variants that disrupt this residue are likely to be disease-causing. For these reasons, this variant has been classified as Pathogenic.

Natera, Inc.
Classification: Likely pathogenic for Glycogen storage disease type II. Last evaluated: 2025-07-14. Review status: criteria provided, single submitter. Criteria: Natera Variant Classification Schema (03/2026). Collection method: clinical testing. Allele origin: germline. Not counted in ClinVar's aggregate classification.
Comment: The c.546+5G>T variant in GAA is an intronic variant located outside the canonical splice sites. This variant is rare in the general population with a frequency below the threshold expected for the associated phenotype(s). This variant has been observed in one or more individuals affected with the associated recessive disease, as either homozygous or compound heterozygous with a second variant (PMID: 21232767). Functional studies show that this variant may disrupt protein function (PMID: 31301153, 34995642). Computational prediction algorithms indicate this variant is likely to affect gene or protein function. Given the available evidence, this variant is classified as Likely Pathogenic.

Revvity Omics, Revvity
Classification: Uncertain significance. Last evaluated: 2024-07-25. Review status: criteria provided, single submitter. Criteria: ACMG Guidelines, 2015. Collection method: clinical testing. Allele origin: germline. Not counted in ClinVar's aggregate classification.

Fulgent Genetics
Classification: Likely pathogenic for Glycogen storage disease, type II. Last evaluated: 2024-04-09. Review status: criteria provided, single submitter. Criteria: ACMG Guidelines, 2015. Collection method: clinical testing. Allele origin: germline. Not counted in ClinVar's aggregate classification.

Women's Health and Genetics/Laboratory Corporation of America, LabCorp
Classification: Pathogenic for Glycogen storage disease, type II. Last evaluated: 2022-12-30. Review status: criteria provided, single submitter. Criteria: LabCorp Variant Classification Summary - May 2015. Collection method: clinical testing. Allele origin: germline. Not counted in ClinVar's aggregate classification.
Comment: Variant summary: GAA c.546+5G>T alters a conserved nucleotide located close to a canonical splice site and therefore could affect mRNA splicing, leading to a significantly altered protein sequence. Several computational tools predict a significant impact on normal splicing: Three predict the variant abolishes the canonical 5' splicing donor site. One predicts the variant weakens the canonical 5' splicing donor site. At least one publication reports experimental evidence that this variant affects mRNA splicing resulting in skipping of exon 2 (Goina_2019). The variant allele was found at a frequency of 3.8e-05 in 235344 control chromosomes. c.546+5G>T has been reported in the literature as a homozygous or compound heterozygous genotype in newborns affected with later onset Glycogen Storage Disease, Type 2 (Pompe Disease) (example, Chien_2011). These data indicate that the variant may be associated with disease. At least one publication reports experimental evidence evaluating an impact on protein function (Chien_2011). The most pronounced variant effect results in <10% of normal alpha glucosidase activity in lymphocytes and fibroblasts from a homozygous individual. Five clinical diagnostic laboratories have submitted clinical-significance assessments for this variant to ClinVar after 2014 without evidence for independent evaluation. Multiple laboratories reported the variant with conflicting assessments (P/LP, n=3; VUS, n=2). Based on the evidence outlined above, the variant was classified as pathogenic.